The following is an entry in ClinVar:

ClinVar aggregate classification (germline): Uncertain significance (1 of 4 stars; one submission).

Conditions:
Familial episodic pain syndrome with predominantly lower limb involvement. Also called: Episodic pain syndrome, familial, 3. Identifiers: Orphanet 391384, Orphanet 391392, MedGen C3809899, MONDO:0014247, OMIM 615552.
Hereditary sensory and autonomic neuropathy type 7. Also called: HSAN VII; Neuropathy, hereditary sensory and autonomic, type VII. Identifiers: Orphanet 391397, MedGen C3809882, MONDO:0014244, OMIM 615548.

Allele frequency attached by ClinVar (database versions not stated): gnomAD exomes below 0.00001; TOPMed below 0.00001; ExAC 0.00001; ESP Exome Variant Server 0.00008.
gnomAD v4.1: 2 of 1,613,102 alleles (0.00012%); highest among the groups gnomAD compares: Non-Finnish European, 0.00017%; no homozygotes.

Submission:

Labcorp Genetics (formerly Invitae), Labcorp
Classification: Uncertain significance for Familial episodic pain syndrome with predominantly lower limb involvement; Hereditary sensory and autonomic neuropathy type 7. Last evaluated: 2023-10-18. Review status: criteria provided, single submitter. Criteria: Invitae Variant Classification Sherloc (09022015). Collection method: clinical testing. Allele origin: germline.
Comment: This sequence change affects codon 1271 of the SCN11A mRNA. It is a 'silent' change, meaning that it does not change the encoded amino acid sequence of the SCN11A protein. This variant also falls at the last nucleotide of exon 22, which is part of the consensus splice site for this exon. This variant is present in population databases (rs140708025, gnomAD 0.0009%). This variant has not been reported in the literature in individuals affected with SCN11A-related conditions. Variants that disrupt the consensus splice site are a relatively common cause of aberrant splicing (PMID: 17576681, 9536098). Algorithms developed to predict the effect of sequence changes on RNA splicing suggest that this variant may disrupt the consensus splice site. In summary, the available evidence is currently insufficient to determine the role of this variant in disease. Therefore, it has been classified as a Variant of Uncertain Significance.

Literature cited by the submitters: PubMed 17576681; PubMed 9536098.

NM_001349253.2(SCN11A):c.3813G>A (p.Glu1271=)

Gene: SCN11A (sodium voltage-gated channel alpha subunit 11; minus strand). Cytogenetic location: 3p22.2.
Variant type: single nucleotide variant.
Coding change: c.3813G>A on transcript NM_001349253.2 (MANE Select); coding-DNA position 3813, G replaced by A.
Protein change: p.Glu1271=; no amino-acid change (glutamic acid 1271 retained).
Molecular consequence: synonymous variant.
Genome position (GRCh38, 1-based): chr3:38,870,691, C>T on the plus strand (G>A on the coding strand, the complement: SCN11A is on the minus strand). VCF-style: chr3-38870691-C-T. GRCh37 (hg19) VCF-style: chr3-38912182-C-T.
Other names: c.3813G>A, p.Glu1271= (NM_014139.3).
Identifiers: ClinVar variation 2929046 (VCV002929046.3), dbSNP rs140708025, ClinGen allele CA2321702.